The following is an entry in ClinVar:

NM_022437.3(ABCG8):c.1412-9_1412-8insTT

Gene: ABCG8 (ATP binding cassette subfamily G member 8; plus strand). Cytogenetic location: 2p21.
Variant type: Insertion.
Coding change: c.1412-9_1412-8insTT on transcript NM_022437.3 (MANE Select); 9 bases into the intron before coding-DNA position 1412 through 8 bases into the intron before coding-DNA position 1412, TT inserted.
Molecular consequence: intron variant.
Genome position: GRCh38 VCF-style: chr2-43874398-A-ATT. GRCh37 (hg19) VCF-style: chr2-44101537-A-ATT.
Other names: p.?; c.1409-9_1409-8insTT (NM_001357321.2); c.1412-9_1412-8insTT (NM_022437.2).
Identifiers: ClinVar variation 2079297 (VCV002079297.8), dbSNP rs138296512, ClinGen allele CA1637445.

ClinVar aggregate classification (germline): Likely benign. Review status: criteria provided, multiple submitters, no conflicts (2 of 4 stars). 4 submissions from 4 submitters: Likely benign (3). 1 of the submissions does not count toward it. Last evaluated 2025-12-22.

Conditions:
ABCG8-related disorder. Also called: ABCG8-related condition.

Submissions (4):

Labcorp Genetics (formerly Invitae), Labcorp
Classification: Likely benign. Last evaluated: 2025-12-22. Review status: criteria provided, single submitter. Criteria: Invitae Variant Classification Sherloc (09022015). Collection method: clinical testing. Allele origin: germline.

Mayo Clinic Laboratories, Mayo Clinic
Classification: Likely benign. Last evaluated: 2024-12-02. Review status: criteria provided, single submitter. Criteria: ACMG Guidelines, 2015. Collection method: clinical testing. Allele origin: germline. Observed: 2 variant alleles.
Comment: BP4, BP7

Blueprint Genetics
Classification: Likely benign. Last evaluated: 2024-06-11. Review status: criteria provided, single submitter. Criteria: ACMG Guidelines, 2015. Collection method: clinical testing. Allele origin: germline.

PreventionGenetics, part of Exact Sciences
Classification: Likely benign for ABCG8-related condition. Last evaluated: 2019-05-28. Review status: no assertion criteria provided. Collection method: clinical testing. Allele origin: germline. Not counted in ClinVar's aggregate classification.
Comment: This variant is classified as likely benign based on ACMG/AMP sequence variant interpretation guidelines (Richards et al. 2015 PMID: 25741868, with internal and published modifications).